The following is an entry in ClinVar:

NM_004655.4(AXIN2):c.986G>A (p.Ser329Asn)

Gene: AXIN2 (axin 2; minus strand). Cytogenetic location: 17q24.1.
Variant type: single nucleotide variant.
Coding change: c.986G>A on transcript NM_004655.4 (MANE Select); coding-DNA position 986, G replaced by A.
Protein change: p.Ser329Asn; replaces serine 329 with asparagine.
Molecular consequence: missense variant.
Genome position (GRCh38, 1-based): chr17:65,541,528, C>T on the plus strand (G>A on the coding strand, the complement: AXIN2 is on the minus strand). VCF-style: chr17-65541528-C-T. GRCh37 (hg19) VCF-style: chr17-63537646-C-T.
Other names: c.986G>A, p.Ser329Asn (NM_001363813.1); c.986G>A (LRG_296t1); short protein forms S329N.
Identifiers: ClinVar variation 408818 (VCV000408818.13), dbSNP rs774353403, ClinGen allele CA8718906.

ClinVar aggregate classification (germline): Conflicting classifications of pathogenicity. Review status: criteria provided, conflicting classifications (1 of 4 stars). 3 submissions from 3 submitters: Uncertain significance (2); Benign (1). Last evaluated 2025-11-17.

Conditions:
Colorectal cancer. Also called: Colorectal cancer, somatic; Malignant Colorectal Neoplasm. Identifiers: MedGen C0346629, MONDO:0005575, OMIM 114500.
Hereditary cancer-predisposing syndrome. Also called: Hereditary Cancer Syndrome; Hereditary neoplastic syndrome; Neoplastic Syndromes, Hereditary; Tumor predisposition. Identifiers: Orphanet 140162, MedGen C0027672, MeSH D009386, MONDO:0015356.
Oligodontia-cancer predisposition syndrome. Also called: TOOTH AGENESIS-COLORECTAL CANCER SYNDROME. Identifiers: Orphanet 300576, MedGen C1837750, MONDO:0012075, OMIM 608615. Disease mechanism: loss of function.

gnomAD v4.1: 14 of 1,614,052 alleles (0.00087%); highest among the groups gnomAD compares: Middle Eastern, 0.016%; no homozygotes.

Submissions (3):

Labcorp Genetics (formerly Invitae), Labcorp
Classification: Uncertain significance for Oligodontia-cancer predisposition syndrome. Last evaluated: 2025-11-17. Review status: criteria provided, single submitter. Criteria: Invitae Variant Classification Sherloc (09022015). Collection method: clinical testing. Allele origin: germline.
Comment: This sequence change replaces serine, which is neutral and polar, with asparagine, which is neutral and polar, at codon 329 of the AXIN2 protein (p.Ser329Asn). This variant is present in population databases (rs774353403, gnomAD 0.01%). This variant has not been reported in the literature in individuals affected with AXIN2-related conditions. ClinVar contains an entry for this variant (Variation ID: 408818). An algorithm developed to predict the effect of missense changes on protein structure and function outputs the following: PolyPhen-2: "Benign". The asparagine amino acid residue is found in multiple mammalian species, which suggests that this missense change does not adversely affect protein function. In summary, the available evidence is currently insufficient to determine the role of this variant in disease. Therefore, it has been classified as a Variant of Uncertain Significance.

Ambry Genetics
Classification: Benign for Hereditary cancer-predisposing syndrome. Last evaluated: 2025-03-21. Review status: criteria provided, single submitter. Criteria: Ambry Variant Classification Scheme 2023. Collection method: clinical testing. Allele origin: germline.

Baylor Genetics
Classification: Uncertain significance for Colorectal cancer. Last evaluated: 2023-10-06. Review status: criteria provided, single submitter. Criteria: ACMG Guidelines, 2015. Collection method: clinical testing. Allele origin: unknown.

Literature cited by the submitters: PubMed 30822429 (cited by Ambry Genetics).